The following is an entry in ClinVar:

NM_144573.4(NEXN):c.609G>C (p.Lys203Asn)

Gene: NEXN (nexilin F-actin binding protein; plus strand). Cytogenetic location: 1p31.1.
Variant type: single nucleotide variant.
Coding change: c.609G>C on transcript NM_144573.4 (MANE Select); coding-DNA position 609, G replaced by C.
Protein change: p.Lys203Asn; replaces lysine 203 with asparagine.
Molecular consequence: missense variant.
Genome position (GRCh38, 1-based): chr1:77,926,533, G>C. VCF-style: chr1-77926533-G-C. GRCh37 (hg19) VCF-style: chr1-78392218-G-C.
Other names: c.417G>C, p.Lys139Asn (NM_001172309.2); short protein forms K203N, K139N.
Identifiers: ClinVar variation 1751573 (VCV001751573.4), dbSNP rs1649857188, ClinGen allele CA340872782.
Genomic context (GRCh38, chr1:77,926,533, plus strand): 5'-AAAAATGAAAAAGAATTTTGAGGATCTAGAAAAAGAACGTGAAGAGAAAGAAAGGATCAA[G>C]TACGAGGAAGATAAAAGAATAAGATATGAAGAACAACGACCATCTCTCAAGGAAGCAAAG-3'
Protein context (NP_653174.3, residues 193-213): EKEREEKERI[Lys203Asn]YEEDKRIRYE

ClinVar aggregate classification (germline): Uncertain significance. Review status: criteria provided, multiple submitters, no conflicts (2 of 4 stars). 2 submissions from 2 submitters: Uncertain significance (2). Last evaluated 2022-12-02.

Conditions:
Cardiovascular phenotype. Identifiers: MedGen CN230736.

Allele frequency attached by ClinVar (database versions not stated): TOPMed below 0.00001; gnomAD 0.00001; gnomAD exomes 0.00001.

Submissions (2):

GeneDx
Classification: Uncertain significance. Last evaluated: 2022-12-02. Review status: criteria provided, single submitter. Criteria: GeneDx Variant Classification Process June 2021. Collection method: clinical testing. Allele origin: germline. Affected: yes.
Comment: Has not been previously published as pathogenic or benign to our knowledge; Not observed at significant frequency in large population cohorts (gnomAD); In silico analysis supports that this missense variant does not alter protein structure/function

Ambry Genetics
Classification: Uncertain significance for Cardiovascular phenotype. Last evaluated: 2022-11-17. Review status: criteria provided, single submitter. Criteria: Ambry Variant Classification Scheme 2023. Collection method: clinical testing. Allele origin: germline.
Comment: The p.K203N variant (also known as c.609G>C), located in coding exon 6 of the NEXN gene, results from a G to C substitution at nucleotide position 609. The lysine at codon 203 is replaced by asparagine, an amino acid with similar properties. This amino acid position is not well conserved in available vertebrate species, and asparagine is the reference amino acid in other vertebrate species. In addition, this alteration is predicted to be tolerated by in silico analysis. Since supporting evidence is limited at this time, the clinical significance of this alteration remains unclear.